The following continues an entry in ClinVar:

NM_007194.4(CHEK2):c.1232G>A (p.Trp411Ter)

Gene: CHEK2. ClinVar aggregate classification (germline): Pathogenic/Likely pathogenic. Pathogenic (20); Likely pathogenic (5).

Submissions 17 to 26 of 26:

Women's Health and Genetics/Laboratory Corporation of America, LabCorp
Classification: Pathogenic for Hereditary breast ovarian cancer syndrome. Last evaluated: 2022-05-12. Review status: criteria provided, single submitter. Criteria: LabCorp Variant Classification Summary - May 2015. Collection method: clinical testing. Allele origin: germline.
Comment: Variant summary: CHEK2 c.1232G>A (p.Trp411X) results in a premature termination codon, predicted to cause a truncation of the encoded protein or absence of the protein due to nonsense mediated decay, which are commonly known mechanisms for disease. Truncations downstream of this position have been classified as pathogenic by our laboratory. The variant allele was found at a frequency of 8e-06 in 250178 control chromosomes (gnomAD). c.1232G>A has been reported in the literature in multiple individuals affected with Hereditary Breast And Ovarian Cancer Syndrome (Coppa_2017, Apostolou_2021). These data indicate that the variant is very likely to be associated with disease. To our knowledge, no experimental evidence demonstrating an impact on protein function has been reported. Ten ClinVar submitters (evaluation after 2014) cite the variant as pathogenic (n=6) and likely pathogenic (n=4). Based on the evidence outlined above, the variant was classified as pathogenic.

Institute for Clinical Genetics, University Hospital TU Dresden, University Hospital TU Dresden
Classification: Pathogenic. Last evaluated: 2021-11-03. Review status: criteria provided, single submitter. Criteria: ACMG Guidelines, 2015. Collection method: clinical testing. Allele origin: germline.

Sema4
Classification: Pathogenic for Hereditary cancer-predisposing syndrome. Last evaluated: 2021-08-13. Review status: criteria provided, single submitter. Criteria: Sema4 Curation Guidelines. Collection method: curation. Allele origin: germline.
Comment: The CHEK2 c.1232G>A (p.W411X) variant has been reported in heterozygosity in numerous individuals with breast cancer (PMID: 33471991, 29271107, 29785153, 33925588). This variant was identified in one family where it was found to segregate with the phenotype across three meioses/individuals (PMID: 29271107). This nonsense variant creates a premature stop codon at residue 411 of the CHEK2 protein. This variant is expected to result in loss of function by premature protein truncation or nonsense-mediated mRNA decay. Loss-of-function variants in CHEK2 are known to be pathogenic (PMID: 21876083, 24713400). This variant was observed in 2/112998 chromosomes in the Non-Finnish European population according to the Genome Aggregation Database (PMID: 32461654). This variant has been reported in ClinVar (Variation ID: 234505). Based on the current evidence available, this variant is interpreted as pathogenic.

Genetics and Molecular Pathology, SA Pathology
Classification: Likely pathogenic for Familial cancer of breast. Last evaluated: 2020-11-23. Review status: criteria provided, single submitter. Criteria: ACMG Guidelines, 2015. Collection method: clinical testing. Allele origin: germline. Affected: yes.

Institute of Medical Genetics and Applied Genomics, University Hospital Tübingen
Classification: Pathogenic. Last evaluated: 2020-10-23. Review status: criteria provided, single submitter. Criteria: ACMG Guidelines, 2015. Collection method: clinical testing. Allele origin: germline. Inheritance: Unknown mechanism. Affected: yes.

GeneKor MSA
Classification: Likely pathogenic for Hereditary cancer-predisposing syndrome. Last evaluated: 2020-01-01. Review status: criteria provided, single submitter. Criteria: ACMG Guidelines, 2015. Collection method: clinical testing. Allele origin: germline. Affected: yes.
Comment: This variant is a single amino acid change from Tryptophan to a premature translational stop signal at codon 411 of the CHEK2 protein. This is expected to result in an absent or disrupted protein product. Truncating variants in CHEK2 are known to be pathogenic (PMID: 21876083, 24713400). This variant has been described in the international literature in an individual undergoing panel testing for hereditary syndrome (PMID: 31159747). The mutation database ClinVar contains entries for this variant (Variation ID:234505).

Mendelics
Classification: Likely pathogenic for Familial cancer of breast. Last evaluated: 2019-05-28. Review status: criteria provided, single submitter. Criteria: Mendelics Assertion Criteria 2017. Collection method: clinical testing. Allele origin: unknown.

GeneDx
Classification: Likely pathogenic. Last evaluated: 2016-11-14. Review status: criteria provided, single submitter. Criteria: GeneDx Variant Classification (06012015). Collection method: clinical testing. Allele origin: germline. Affected: yes.
Comment: This variant is denoted CHEK2 c.1232G>A at the cDNA level and p.Trp411Ter (W411X) at the protein level. The substitution creates a nonsense variant, which changes a Tryptophan to a premature stop codon (TGG>TAG), and is predicted to cause loss of normal protein function through either protein truncation or nonsense-mediated mRNA decay. Although this variant has not, to our knowledge, been reported in the literature, it is considered likely pathogenic.

Genesis Genomics
Classification: Pathogenic for CHEK2-related cancer predisposition. Review status: criteria provided, single submitter. Criteria: ACMG Guidelines, 2015. Collection method: clinical testing. Allele origin: germline. Affected: yes. Observed: 1 variant allele.

Counsyl
Classification: Likely pathogenic for Familial cancer of breast. Last evaluated: 2017-04-18. Review status: no assertion criteria provided. Collection method: clinical testing. Allele origin: unknown. Not counted in ClinVar's aggregate classification.

Literature cited by the submitters: PubMed 21876083 (cited by Labcorp Genetics (formerly Invitae), Labcorp and Sema4); PubMed 24713400 (cited by Labcorp Genetics (formerly Invitae), Labcorp and Sema4); PubMed 29271107 (cited by 6 submitters); PubMed 29785153 (cited by 5 submitters); PubMed 35220195 (cited by Labcorp Genetics (formerly Invitae), Labcorp and Quest Diagnostics Nichols Institute San Juan Capistrano); PubMed 33471991 (cited by Color Diagnostics, LLC DBA Color Health and Sema4); PubMed 33925588 (cited by 4 submitters); PubMed 34732190 (cited by Color Diagnostics, LLC DBA Color Health); PubMed 35089076 (cited by Color Diagnostics, LLC DBA Color Health); PubMed 35127508 (cited by Color Diagnostics, LLC DBA Color Health); PubMed 36011273 (cited by Color Diagnostics, LLC DBA Color Health); PubMed 37065479 (cited by Color Diagnostics, LLC DBA Color Health); PubMed 31159747 (cited by Quest Diagnostics Nichols Institute San Juan Capistrano); PubMed 35418818 (cited by Quest Diagnostics Nichols Institute San Juan Capistrano); PubMed 32805687 (cited by Quest Diagnostics Nichols Institute San Juan Capistrano).